The following is an entry in ClinVar:

ClinVar aggregate classification (germline): Conflicting classifications of pathogenicity. Review status: criteria provided, conflicting classifications (1 of 4 stars). 3 submissions from 3 submitters: Uncertain significance (2); Likely benign (1). Last evaluated 2025-08-19.

Conditions:
Inborn genetic diseases. Identifiers: MedGen C0950123, MeSH D030342.
CEDNIK syndrome. Also called: Cerebral dysgenesis, neuropathy, ichthyosis, and palmoplantar keratoderma; CEREBRAL DYSGENESIS, NEUROPATHY, ICHTHYOSIS, AND PALMOPLANTAR KERATODERMA SYNDROME. Identifiers: Orphanet 66631, MedGen C1836033, MONDO:0012290, OMIM 609528.

Allele frequency attached by ClinVar (database versions not stated): gnomAD exomes below 0.00001 and 0.00001; TOPMed below 0.00001; ExAC 0.00002.

Submissions (3):

Mayo Clinic Laboratories, Mayo Clinic
Classification: Uncertain significance. Last evaluated: 2025-08-19. Review status: criteria provided, single submitter. Criteria: ACMG Guidelines, 2015. Collection method: clinical testing. Allele origin: germline. Observed: 1 variant allele.
Comment: BP4_strong, PM2_supporting

Ambry Genetics
Classification: Likely benign for Inborn genetic diseases. Last evaluated: 2023-04-04. Review status: criteria provided, single submitter. Criteria: Ambry Variant Classification Scheme 2023. Collection method: clinical testing. Allele origin: germline.

Illumina Laboratory Services, Illumina
Classification: Uncertain significance for CEDNIK syndrome. Last evaluated: 2018-01-13. Review status: criteria provided, single submitter. Criteria: ICSL Variant Classification Criteria 13 December 2019. Collection method: clinical testing. Allele origin: germline.

NM_004782.4(SNAP29):c.550A>G (p.Met184Val)

Gene: SNAP29 (synaptosome associated protein 29; plus strand). Cytogenetic location: 22q11.21.
Variant type: single nucleotide variant.
Coding change: c.550A>G on transcript NM_004782.4 (MANE Select); coding-DNA position 550, A replaced by G.
Protein change: p.Met184Val; replaces methionine 184 with valine.
Molecular consequence: missense variant.
Genome position (GRCh38, 1-based): chr22:20,883,500, A>G. VCF-style: chr22-20883500-A-G. GRCh37 (hg19) VCF-style: chr22-21237788-A-G.
Other names: p.Met184Val; short protein forms M184V.
Identifiers: ClinVar variation 340835 (VCV000340835.8), dbSNP rs770234475, ClinGen allele CA10117180.